The following is an entry in ClinVar:

ClinVar aggregate classification (germline): Conflicting classifications of pathogenicity. Review status: criteria provided, conflicting classifications (1 of 4 stars). 3 submissions from 3 submitters: Uncertain significance (2); Likely benign (1). Last evaluated 2024-08-29.

Conditions:
Catecholaminergic polymorphic ventricular tachycardia 1. Also called: VENTRICULAR TACHYCARDIA, CATECHOLAMINERGIC POLYMORPHIC, 1, WITH OR WITHOUT ATRIAL DYSFUNCTION AND/OR DILATED CARDIOMYOPATHY; RYR2-Related Catecholaminergic Polymorphic Ventricular Tachycardia; VENTRICULAR TACHYCARDIA, STRESS-INDUCED POLYMORPHIC 1. Identifiers: Orphanet 3286, MedGen C1631597, MONDO:0011484, OMIM 604772.
Cardiovascular phenotype. Identifiers: MedGen CN230736.
Catecholaminergic polymorphic ventricular tachycardia 5 (CARDAR). Also called: Ventricular tachycardia, catecholaminergic polymorphic, 5, with or without muscle weakness; CARDIAC ARRHYTHMIA SYNDROME, WITH OR WITHOUT SKELETAL MUSCLE WEAKNESS. Identifiers: Orphanet 3286, MedGen C3809536, MONDO:0014191, OMIM 615441.

Allele frequency attached by ClinVar (database versions not stated): gnomAD exomes 0.00001 and 0.00003; TOPMed 0.00001; ExAC 0.00003; gnomAD 0.00003.
gnomAD v4.1: 22 of 1,611,238 alleles (0.0014%); highest among the groups gnomAD compares: Admixed American, 0.005%; no homozygotes.

Submissions (3):

Ambry Genetics
Classification: Likely benign for Cardiovascular phenotype. Last evaluated: 2024-08-29. Review status: criteria provided, single submitter. Criteria: Ambry Variant Classification Scheme 2023. Collection method: clinical testing. Allele origin: germline.

ARUP Laboratories, Molecular Genetics and Genomics, ARUP Laboratories
Classification: Uncertain significance for Catecholaminergic polymorphic ventricular tachycardia 5. Last evaluated: 2024-08-20. Review status: criteria provided, single submitter. Criteria: ARUP Molecular Germline Variant Investigation Process 2024. Collection method: clinical testing. Allele origin: germline.
Comment: The TRDN c.2143A>G; p.Ser715Gly variant (rs768748530), to our knowledge, is not reported in the medical literature but is reported in ClinVar (Variation ID: 408735). This variant is found in the general population with an overall allele frequency of 0.003% (8/278,222 alleles) in the Genome Aggregation Database (v2.1.1). Computational analyses predict that this variant is neutral (REVEL: 0.049). However, due to limited information, the clinical significance of this variant is uncertain at this time.

Labcorp Genetics (formerly Invitae), Labcorp
Classification: Uncertain significance for Catecholaminergic polymorphic ventricular tachycardia 1. Last evaluated: 2022-08-16. Review status: criteria provided, single submitter. Criteria: Invitae Variant Classification Sherloc (09022015). Collection method: clinical testing. Allele origin: germline.
Comment: This sequence change replaces serine, which is neutral and polar, with glycine, which is neutral and non-polar, at codon 715 of the TRDN protein (p.Ser715Gly). This variant is present in population databases (rs768748530, gnomAD 0.01%). This variant has not been reported in the literature in individuals affected with TRDN-related conditions. ClinVar contains an entry for this variant (Variation ID: 408735). Algorithms developed to predict the effect of missense changes on protein structure and function output the following: SIFT: "Tolerated"; PolyPhen-2: "Benign"; Align-GVGD: "Class C0". The glycine amino acid residue is found in multiple mammalian species, which suggests that this missense change does not adversely affect protein function. In summary, the available evidence is currently insufficient to determine the role of this variant in disease. Therefore, it has been classified as a Variant of Uncertain Significance.

NM_006073.4(TRDN):c.2143A>G (p.Ser715Gly)

Gene: TRDN (triadin; minus strand). Cytogenetic location: 6q22.31.
Variant type: single nucleotide variant.
Coding change: c.2143A>G on transcript NM_006073.4 (MANE Select); coding-DNA position 2143, A replaced by G.
Protein change: p.Ser715Gly; replaces serine 715 with glycine.
Molecular consequence: missense variant.
Genome position (GRCh38, 1-based): chr6:123,218,648, T>C on the plus strand (A>G on the coding strand, the complement: TRDN is on the minus strand). VCF-style: chr6-123218648-T-C. GRCh37 (hg19) VCF-style: chr6-123539793-T-C.
Other names: short protein forms S715G.
Identifiers: ClinVar variation 408735 (VCV000408735.11), dbSNP rs768748530, ClinGen allele CA3983584.